The following is an entry in ClinVar:

NM_001972.4(ELANE):c.124C>T (p.Pro42Ser)

Gene: ELANE (elastase, neutrophil expressed; plus strand). Cytogenetic location: 19p13.3.
Variant type: single nucleotide variant.
Coding change: c.124C>T on transcript NM_001972.4 (MANE Select); coding-DNA position 124, C replaced by T.
Protein change: p.Pro42Ser; replaces proline 42 with serine.
Molecular consequence: missense variant.
Genome position (GRCh38, 1-based): chr19:852,932, C>T. VCF-style: chr19-852932-C-T. GRCh37 (hg19) VCF-style: chr19-852932-C-T.
Other names: short protein forms P42S.
Identifiers: ClinVar variation 3761573 (VCV003761573.3).

ClinVar aggregate classification (germline): Uncertain significance. Review status: criteria provided, multiple submitters, no conflicts (2 of 4 stars). 2 submissions from 2 submitters: Uncertain significance (2). Last evaluated 2025-05-19.

Conditions:
Inborn genetic diseases. Identifiers: MedGen C0950123, MeSH D030342.
Neutropenia, severe congenital, 1, autosomal dominant. Identifiers: MedGen C1859966, MONDO:0042490, OMIM 202700.
Cyclical neutropenia. Also called: Cyclic hematopoiesis; Cyclic Neutropenia. Identifiers: Orphanet 2686, MedGen C0221023, MONDO:0008090, OMIM 162800, HP:0040289. Disease mechanism: loss of function.

Submissions (2):

Ambry Genetics
Classification: Uncertain significance for Inborn genetic diseases. Last evaluated: 2025-05-19. Review status: criteria provided, single submitter. Criteria: Ambry Variant Classification Scheme 2023. Collection method: clinical testing. Allele origin: germline.
Comment: The p.P42S variant (also known as c.124C>T), located in coding exon 2 of the ELANE gene, results from a C to T substitution at nucleotide position 124. The proline at codon 42 is replaced by serine, an amino acid with similar properties. This amino acid position is conserved. In addition, this alteration is predicted to be deleterious by in silico analysis. Based on the available evidence, the clinical significance of this variant remains unclear.

Labcorp Genetics (formerly Invitae), Labcorp
Classification: Uncertain significance for Neutropenia, severe congenital, 1, autosomal dominant; Cyclical neutropenia. Last evaluated: 2024-05-15. Review status: criteria provided, single submitter. Criteria: Invitae Variant Classification Sherloc (09022015). Collection method: clinical testing. Allele origin: germline.
Comment: This sequence change replaces proline, which is neutral and non-polar, with serine, which is neutral and polar, at codon 42 of the ELANE protein (p.Pro42Ser). This variant is not present in population databases (gnomAD no frequency). This variant has not been reported in the literature in individuals affected with ELANE-related conditions. Advanced modeling of protein sequence and biophysical properties (such as structural, functional, and spatial information, amino acid conservation, physicochemical variation, residue mobility, and thermodynamic stability) performed at Invitae indicates that this missense variant is expected to disrupt ELANE protein function with a positive predictive value of 95%. In summary, the available evidence is currently insufficient to determine the role of this variant in disease. Therefore, it has been classified as a Variant of Uncertain Significance.